The following is an entry in ClinVar:

ClinVar aggregate classification (germline): Conflicting classifications of pathogenicity. Review status: criteria provided, conflicting classifications (1 of 4 stars). 8 submissions from 8 submitters: Uncertain significance (1); Likely benign (5). 2 of the submissions do not count toward it. Last evaluated 2026-02-01.

Conditions:
SLC12A6-related disorder. Also called: SLC12A6-related condition.
Agenesis of the corpus callosum with peripheral neuropathy (ACCPN). Also called: POLYNEUROPATHY, SENSORIMOTOR, WITH OR WITHOUT AGENESIS OF THE CORPUS CALLOSUM; CHARLEVOIX DISEASE; Hereditary Motor and Sensory Neuropathy with Agenesis of the Corpus Callosum; HMSN/ACC. Identifiers: Orphanet 1496, MedGen C0795950, MONDO:0000902, OMIM 218000. Disease mechanism: loss of function.

Allele frequency attached by ClinVar (database versions not stated): ESP Exome Variant Server 0.00023; gnomAD 0.00023 and 0.00034; ExAC 0.00041; TOPMed 0.00043; gnomAD exomes 0.00045; 1000 Genomes Project 30x 0.00141; 1000 Genomes Project 0.00160.
gnomAD v4.1: 692 of 1,613,764 alleles (0.043%); highest among the groups gnomAD compares: East Asian, 0.43%; 2 homozygotes.

Submissions (8):

CeGaT Center for Human Genetics Tuebingen
Classification: Likely benign. Last evaluated: 2026-02-01. Review status: criteria provided, single submitter. Criteria: CeGaT Center For Human Genetics Tuebingen Variant Classification Criteria Version 2. Collection method: clinical testing. Allele origin: germline. Affected: yes. Observed: 1 variant allele.
Comment: SLC12A6: BS1

Labcorp Genetics (formerly Invitae), Labcorp
Classification: Likely benign. Last evaluated: 2026-01-26. Review status: criteria provided, single submitter. Criteria: Invitae Variant Classification Sherloc (09022015). Collection method: clinical testing. Allele origin: germline.

Women's Health and Genetics/Laboratory Corporation of America, LabCorp
Classification: Likely benign. Last evaluated: 2025-02-04. Review status: criteria provided, single submitter. Criteria: LabCorp Variant Classification Summary - May 2015. Collection method: clinical testing. Allele origin: germline.
Comment: Variant summary: SLC12A6 c.1012C>T (p.Arg338Cys) results in a non-conservative amino acid change located in the Amino acid permease/ SLC12A domain (IPR004841) of the encoded protein sequence. Five of five in-silico tools predict a damaging effect of the variant on protein function. The variant allele was found at a frequency of 0.00045 in 251422 control chromosomes (including one homozygote), predominantly at a frequency of 0.0028 within the East Asian subpopulation in the gnomAD database. The observed variant frequency within East Asian control individuals in the gnomAD database exceeds the estimated maximal expected allele frequency for a pathogenic variant in SLC12A6 causing Agenesis of the corpus callosum with peripheral neuropathy phenotype. c.1012C>T has been reported in the literature in the homozygous state in a fetus affected with agenesis of the corpus callosum who underwent prenatal exome sequencing; however the finding was not considered causal and, in a subsequent pregnancy, a similarly affected fetus did not carry the variant (de Koning_2022). This report does not provide unequivocal conclusions about association of the variant with agenesis of the corpus callosum with peripheral neuropathy. To our knowledge, no experimental evidence demonstrating an impact on protein function has been reported. The following publication has been ascertained in the context of this evaluation (PMID: 34611884). ClinVar contains an entry for this variant (Variation ID: 315618). Based on the evidence outlined above, the variant was classified as likely benign.

Genome-Nilou Lab
Classification: Likely benign for Agenesis of the corpus callosum with peripheral neuropathy. Last evaluated: 2021-07-15. Review status: criteria provided, single submitter. Criteria: ACMG Guidelines, 2015. Collection method: clinical testing. Allele origin: germline. Affected: no.

GeneDx
Classification: Likely benign. Last evaluated: 2019-04-15. Review status: criteria provided, single submitter. Criteria: GeneDx Variant Classification Process June 2021. Collection method: clinical testing. Allele origin: germline. Affected: yes.

Illumina Laboratory Services, Illumina
Classification: Uncertain significance for Agenesis of the corpus callosum with peripheral neuropathy. Last evaluated: 2018-01-13. Review status: criteria provided, single submitter. Criteria: ICSL Variant Classification Criteria 13 December 2019. Collection method: clinical testing. Allele origin: germline.

PreventionGenetics, part of Exact Sciences
Classification: Likely benign for SLC12A6-related condition. Last evaluated: 2021-03-31. Review status: no assertion criteria provided. Collection method: clinical testing. Allele origin: germline. Not counted in ClinVar's aggregate classification.
Comment: This variant is classified as likely benign based on ACMG/AMP sequence variant interpretation guidelines (Richards et al. 2015 PMID: 25741868, with internal and published modifications).

Natera, Inc.
Classification: Uncertain significance for Andermann syndrome. Last evaluated: 2020-04-18. Review status: no assertion criteria provided. Collection method: clinical testing. Allele origin: germline. Not counted in ClinVar's aggregate classification.

Literature cited by the submitters: PubMed 34611884 (cited by Women's Health and Genetics/Laboratory Corporation of America, LabCorp).

NM_001365088.1(SLC12A6):c.1012C>T (p.Arg338Cys)

Gene: SLC12A6 (solute carrier family 12 member 6; minus strand). Cytogenetic location: 15q14.
Variant type: single nucleotide variant.
Coding change: c.1012C>T on transcript NM_001365088.1 (MANE Select); coding-DNA position 1012, C replaced by T.
Protein change: p.Arg338Cys; replaces arginine 338 with cysteine.
Molecular consequence: missense variant.
Genome position (GRCh38, 1-based): chr15:34,254,454, G>A on the plus strand (C>T on the coding strand, the complement: SLC12A6 is on the minus strand). VCF-style: chr15-34254454-G-A. GRCh37 (hg19) VCF-style: chr15-34546655-G-A.
Other names: c.835C>T, p.Arg279Cys (NM_001042494.2, NM_001042495.2); c.985C>T, p.Arg329Cys (NM_001042496.2); c.967C>T, p.Arg323Cys (NM_001042497.2); c.859C>T, p.Arg287Cys (NM_005135.2); c.1012C>T, p.Arg338Cys (NM_133647.2); short protein forms R338C, R287C, R279C, R329C, R323C.
Identifiers: ClinVar variation 315618 (VCV000315618.29), dbSNP rs77122016, ClinGen allele CA7464420.